The following is an entry in ClinVar:

ClinVar aggregate classification (germline): Likely benign. Review status: criteria provided, multiple submitters, no conflicts (2 of 4 stars). 2 submissions from 2 submitters: Likely benign (2). Last evaluated 2026-06-01.

Submissions (2):

CeGaT Center for Human Genetics Tuebingen
Classification: Likely benign. Last evaluated: 2026-06-01. Review status: criteria provided, single submitter. Criteria: CeGaT Center For Human Genetics Tuebingen Variant Classification Criteria Version 2. Collection method: clinical testing. Allele origin: germline. Affected: yes. Observed: 2 variant alleles.
Comment: PCLO: BP4

Labcorp Genetics (formerly Invitae), Labcorp
Classification: Likely benign. Last evaluated: 2026-01-21. Review status: criteria provided, single submitter. Criteria: Invitae Variant Classification Sherloc (09022015). Collection method: clinical testing. Allele origin: germline.

NM_033026.6(PCLO):c.3300+7_3300+8insTTTATATA

Gene: PCLO (piccolo presynaptic cytomatrix protein; minus strand). Cytogenetic location: 7q21.11.
Variant type: Microsatellite.
Coding change: c.3300+7_3300+8insTTTATATA on transcript NM_033026.6 (MANE Select); bases 7 to 8 of the intron after coding-DNA position 3300, TTTATATA inserted.
Molecular consequence: intron variant.
Genome position: GRCh38 VCF-style: chr7-83134242-T-TATATATAA. GRCh37 (hg19) VCF-style: chr7-82763558-T-TATATATAA.
Other names: c.3300+7_3300+8insTTTATATA (NM_014510.3).
Identifiers: ClinVar variation 1669593 (VCV001669593.32), dbSNP rs746054139.